The following is an entry in ClinVar:

ClinVar aggregate classification (germline): Likely benign. Review status: criteria provided, single submitter (1 of 4 stars). 2 submissions from 2 submitters: Likely benign (1). 1 of the submissions does not count toward it. Last evaluated 2026-01-25.

Conditions:
HERC1-related disorder. Also called: HERC1-related condition.

Allele frequency attached by ClinVar (database versions not stated): gnomAD 0.00018; TOPMed 0.00023; ESP Exome Variant Server 0.00042; ExAC 0.00063.
gnomAD v4.1: 307 of 1,565,902 alleles (0.02%); highest among the groups gnomAD compares: Middle Eastern, 0.066%; no homozygotes.

Submissions (2):

Labcorp Genetics (formerly Invitae), Labcorp
Classification: Likely benign. Last evaluated: 2026-01-25. Review status: criteria provided, single submitter. Criteria: Invitae Variant Classification Sherloc (09022015). Collection method: clinical testing. Allele origin: germline.

PreventionGenetics, part of Exact Sciences
Classification: Likely benign for HERC1-related condition. Last evaluated: 2023-05-17. Review status: no assertion criteria provided. Collection method: clinical testing. Allele origin: germline. Not counted in ClinVar's aggregate classification.
Comment: This variant is classified as likely benign based on ACMG/AMP sequence variant interpretation guidelines (Richards et al. 2015 PMID: 25741868, with internal and published modifications).

NM_003922.4(HERC1):c.10054A>G (p.Asn3352Asp)

Gene: HERC1 (HECT and RLD domain containing E3 ubiquitin protein ligase family member 1; minus strand). Cytogenetic location: 15q22.31.
Variant type: single nucleotide variant.
Coding change: c.10054A>G on transcript NM_003922.4 (MANE Select); coding-DNA position 10054, A replaced by G.
Protein change: p.Asn3352Asp; replaces asparagine 3352 with aspartic acid.
Molecular consequence: missense variant.
Genome position (GRCh38, 1-based): chr15:63,655,772, T>C on the plus strand (A>G on the coding strand, the complement: HERC1 is on the minus strand). VCF-style: chr15-63655772-T-C. GRCh37 (hg19) VCF-style: chr15-63947971-T-C.
Other names: c.10054A>G (NM_003922.3); short protein forms N3352D.
Identifiers: ClinVar variation 2074194 (VCV002074194.6), dbSNP rs202195874, ClinGen allele CA7604574.
Genomic context (GRCh38, chr15:63,655,772, plus strand): 5'-GACTGTATGTTTCAGTAGTATGAAACTTACCTTTCTTTTCAACTTCTGACTTATCATAGT[T>C]AGGTCTTAGTTTGGCCCCTTTGTCTGCTAGCAATGCCACAAGGGCCTGTGTTACAACAAA-3'
Protein context (NP_003913.3, residues 3342-3362): LADKGAKLRP[Asn3352Asp]YDKSEVEKKG